The following is an entry in ClinVar:

ClinVar aggregate classification (germline): Benign/Likely benign (0 of 4 stars; one submission).

Submission:

GeneDx
Classification: Benign/Likely benign. Last evaluated: 2011-04-30. Review status: no assertion criteria provided. Collection method: clinical testing. Allele origin: not provided. Affected: yes. Observed: 2 variant alleles.
Comment: Likely benign (1), Benign (1)

GRCh38/hg38 13q34(chr13:113814432-113825457)x3

Genes: GAS6 (growth arrest specific 6; minus strand), GAS6-AS1 (GAS6 antisense RNA 1; plus strand), TMEM255B (transmembrane protein 255B; plus strand), LOC130010186 (ATAC-STARR-seq lymphoblastoid active region 8040; plus strand), LOC130010187 (ATAC-STARR-seq lymphoblastoid active region 8041; plus strand) and 1 more. Cytogenetic location: 13q34.
Variant type: copy number gain.
Change: copy number 3 (three copies instead of two) of chr13:113,814,432-113,825,457 (11.0 kb, GRCh38 coordinates, 1-based), cytogenetic band 13q34.
Identifiers: ClinVar variation 152620 (VCV000152620.1).